The following is an entry in ClinVar:

ClinVar aggregate classification (germline): Pathogenic (1 of 4 stars; one submission).

Conditions:
PRPH2-related disorder. Also called: PRPH2-related condition; PRPH2-related disorders. Identifiers: MedGen CN239395.

Submission:

Labcorp Genetics (formerly Invitae), Labcorp
Classification: Pathogenic for PRPH2-related disorder. Last evaluated: 2022-08-07. Review status: criteria provided, single submitter. Criteria: Invitae Variant Classification Sherloc (09022015). Collection method: clinical testing. Allele origin: germline.
Comment: For these reasons, this variant has been classified as Pathogenic. This variant has not been reported in the literature in individuals affected with PRPH2-related conditions. This variant is not present in population databases (gnomAD no frequency). This sequence change creates a premature translational stop signal (p.Leu41*) in the PRPH2 gene. It is expected to result in an absent or disrupted protein product. Loss-of-function variants in PRPH2 are known to be pathogenic (PMID: 8111389, 8485575, 8485576, 8675410, 16916875, 17504850, 22863181, 25675413, 26061163, 27365499, 29555955, 33546218).

Literature cited by the submitters: PubMed 8111389; PubMed 8485575; PubMed 8485576; PubMed 8675410; PubMed 16916875; PubMed 17504850; PubMed 22863181; PubMed 25675413; PubMed 26061163; PubMed 27365499; PubMed 29555955; PubMed 33546218.

NM_000322.5(PRPH2):c.121del (p.Phe40_Leu41insTer)

Gene: PRPH2 (peripherin 2; minus strand). Cytogenetic location: 6p21.1.
Variant type: Deletion.
Coding change: c.121del on transcript NM_000322.5 (MANE Select); coding-DNA position 121, one base deleted (C; older notation c.121delC).
Protein change: p.Phe40_Leu41insTer.
Molecular consequence: nonsense.
Genome position (GRCh38, 1-based): chr6:42,722,214, G deleted on the plus strand (C on the coding strand, the reverse complement: PRPH2 is on the minus strand); the first of 2 consecutive G bases (chr6:42,722,214-42,722,215); deleting either gives the same sequence. VCF-style (leftmost placement, unchanged base first): chr6-42722213-AG-A. GRCh37 (hg19) VCF-style: chr6-42689951-AG-A.
Identifiers: ClinVar variation 2022646 (VCV002022646.4), dbSNP rs2548309917, ClinGen allele CA2580074538.